The following is an entry in ClinVar:

ClinVar aggregate classification (germline): Uncertain significance (1 of 4 stars; one submission).

Allele frequency attached by ClinVar (database versions not stated): gnomAD exomes below 0.00001.
gnomAD v4.1: 1 of 1,613,974 alleles (0.000062%); highest among the groups gnomAD compares: East Asian, 0.0022%; no homozygotes.

Submission:

GeneDx
Classification: Uncertain significance. Last evaluated: 2022-06-15. Review status: criteria provided, single submitter. Criteria: GeneDx Variant Classification Process June 2021. Collection method: clinical testing. Allele origin: germline. Affected: yes.
Comment: Not observed in large population cohorts (gnomAD); In silico analysis, which includes protein predictors and evolutionary conservation, supports a deleterious effect; Has not been previously published as pathogenic or benign to our knowledge

NM_198880.3(QRICH1):c.161T>C (p.Val54Ala)

Gene: QRICH1 (glutamine rich 1; minus strand). Cytogenetic location: 3p21.31.
Variant type: single nucleotide variant.
Coding change: c.161T>C on transcript NM_198880.3 (MANE Select); coding-DNA position 161, T replaced by C.
Protein change: p.Val54Ala; replaces valine 54 with alanine.
Molecular consequence: missense variant.
Genome position (GRCh38, 1-based): chr3:49,076,857, A>G on the plus strand (T>C on the coding strand, the complement: QRICH1 is on the minus strand). VCF-style: chr3-49076857-A-G. GRCh37 (hg19) VCF-style: chr3-49114290-A-G.
Other names: c.161T>C, p.Val54Ala (NM_001320580.2, NM_001320581.2, NM_001320582.2 and 4 more transcripts); short protein forms V54A.
Identifiers: ClinVar variation 1309984 (VCV001309984.3), dbSNP rs2106983116, ClinGen allele CA352686480.